The following is an entry in ClinVar:

ClinVar aggregate classification (germline): Uncertain significance (1 of 4 stars; one submission).

Conditions:
Hypogonadotropic hypogonadism 2 with or without anosmia (HH2). Also called: FGFR1-Related GnRH Deficiency (Kallmann Syndrome 2); HYPOGONADOTROPIC HYPOGONADISM 2 WITH OR WITHOUT ANOSMIA, SUSCEPTIBILITY TO; HYPOGONADOTROPIC HYPOGONADISM 2 WITHOUT ANOSMIA, SUSCEPTIBILITY TO; HYPOGONADOTROPIC HYPOGONADISM 2 WITHOUT ANOSMIA. Identifiers: Orphanet 478, MedGen C1563720, MONDO:0007844, OMIM 147950. Disease mechanism: loss of function.
Pfeiffer syndrome (ACS5). Also called: ACS V. Identifiers: Orphanet 710, MedGen C0220658, MONDO:0007043, OMIM 101600.

Allele frequency attached by ClinVar (database versions not stated): TOPMed 0.00001.

Submission:

Labcorp Genetics (formerly Invitae), Labcorp
Classification: Uncertain significance for Pfeiffer syndrome; Hypogonadotropic hypogonadism 2 with or without anosmia. Last evaluated: 2024-02-22. Review status: criteria provided, single submitter. Criteria: Invitae Variant Classification Sherloc (09022015). Collection method: clinical testing. Allele origin: germline.
Comment: This sequence change replaces aspartic acid, which is acidic and polar, with asparagine, which is neutral and polar, at codon 768 of the FGFR1 protein (p.Asp768Asn). This variant is not present in population databases (gnomAD no frequency). This variant has not been reported in the literature in individuals affected with FGFR1-related conditions. Advanced modeling of protein sequence and biophysical properties (such as structural, functional, and spatial information, amino acid conservation, physicochemical variation, residue mobility, and thermodynamic stability) has been performed at Invitae for this missense variant, however the output from this modeling did not meet the statistical confidence thresholds required to predict the impact of this variant on FGFR1 protein function. In summary, the available evidence is currently insufficient to determine the role of this variant in disease. Therefore, it has been classified as a Variant of Uncertain Significance.

NM_023110.3(FGFR1):c.2302G>A (p.Asp768Asn)

Gene: FGFR1 (fibroblast growth factor receptor 1; minus strand). Cytogenetic location: 8p11.23.
Variant type: single nucleotide variant.
Coding change: c.2302G>A on transcript NM_023110.3 (MANE Select); coding-DNA position 2302, G replaced by A.
Protein change: p.Asp768Asn; replaces aspartic acid 768 with asparagine.
Molecular consequence: missense variant. On other transcripts: intron variant (3).
Genome position (GRCh38, 1-based): chr8:38,413,795, C>T on the plus strand (G>A on the coding strand, the complement: FGFR1 is on the minus strand). VCF-style: chr8-38413795-C-T. GRCh37 (hg19) VCF-style: chr8-38271313-C-T.
Other names: c.2302G>A, p.Asp768Asn (NM_000604.2); c.2296G>A, p.Asp766Asn (NM_001174063.2, NM_001174065.2, NM_015850.4); c.2272G>A, p.Asp758Asn (NM_001174064.2); c.2035G>A, p.Asp679Asn (NM_001174066.2, NM_023105.3); c.2395G>A, p.Asp799Asn (NM_001174067.2); c.2023G>A, p.Asp675Asn (NM_001354368.2); c.2290G>A, p.Asp764Asn (NM_001410922.1); c.2029G>A, p.Asp677Asn (NM_023106.3); and 3 more; short protein forms D675N, D677N, D679N, D766N, D768N, D799N, D764N, D758N.
Identifiers: ClinVar variation 2944795 (VCV002944795.3), dbSNP rs121909644, ClinGen allele CA370727589.